The following is an entry in ClinVar:

ClinVar aggregate classification (germline): Uncertain significance. Review status: criteria provided, multiple submitters, no conflicts (2 of 4 stars). 2 submissions from 2 submitters: Uncertain significance (2). Last evaluated 2023-12-21.

Conditions:
Hereditary cancer-predisposing syndrome. Also called: Neoplastic Syndromes, Hereditary; Hereditary Cancer Syndrome; Hereditary neoplastic syndrome; Tumor predisposition. Identifiers: Orphanet 140162, MedGen C0027672, MeSH D009386, MONDO:0015356.

Submissions (2):

Labcorp Genetics (formerly Invitae), Labcorp
Classification: Uncertain significance. Last evaluated: 2023-12-21. Review status: criteria provided, single submitter. Criteria: Invitae Variant Classification Sherloc (09022015). Collection method: clinical testing. Allele origin: germline.
Comment: This sequence change replaces isoleucine, which is neutral and non-polar, with threonine, which is neutral and polar, at codon 285 of the MSH3 protein (p.Ile285Thr). This variant is not present in population databases (gnomAD no frequency). This variant has not been reported in the literature in individuals affected with MSH3-related conditions. ClinVar contains an entry for this variant (Variation ID: 2565666). An algorithm developed to predict the effect of missense changes on protein structure and function (PolyPhen-2) suggests that this variant is likely to be disruptive. In summary, the available evidence is currently insufficient to determine the role of this variant in disease. Therefore, it has been classified as a Variant of Uncertain Significance.

Ambry Genetics
Classification: Uncertain significance for Hereditary cancer-predisposing syndrome. Last evaluated: 2023-05-11. Review status: criteria provided, single submitter. Criteria: Ambry Variant Classification Scheme 2023. Collection method: clinical testing. Allele origin: germline.
Comment: The p.I285T variant (also known as c.854T>C), located in coding exon 5 of the MSH3 gene, results from a T to C substitution at nucleotide position 854. The isoleucine at codon 285 is replaced by threonine, an amino acid with similar properties. This amino acid position is conserved. In addition, this alteration is predicted to be deleterious by in silico analysis. Since supporting evidence is limited at this time, the clinical significance of this alteration remains unclear.

NM_002439.5(MSH3):c.854T>C (p.Ile285Thr)

Gene: MSH3 (mutS homolog 3; plus strand). Cytogenetic location: 5q14.1.
Variant type: single nucleotide variant.
Coding change: c.854T>C on transcript NM_002439.5 (MANE Select); coding-DNA position 854, T replaced by C.
Protein change: p.Ile285Thr; replaces isoleucine 285 with threonine.
Molecular consequence: missense variant.
Genome position (GRCh38, 1-based): chr5:80,672,305, T>C. VCF-style: chr5-80672305-T-C. GRCh37 (hg19) VCF-style: chr5-79968124-T-C.
Other names: short protein forms I285T.
Identifiers: ClinVar variation 2565666 (VCV002565666.5), dbSNP rs2112813808, ClinGen allele CA360267188.